The following is an entry in ClinVar:

NM_002470.4(MYH3):c.1888+10G>A

Gene: MYH3 (myosin heavy chain 3; minus strand). Cytogenetic location: 17p13.1.
Variant type: single nucleotide variant.
Coding change: c.1888+10G>A on transcript NM_002470.4 (MANE Select); 10 bases into the intron after coding-DNA position 1888, G replaced by A.
Molecular consequence: intron variant.
Genome position (GRCh38, 1-based): chr17:10,642,407, C>T on the plus strand (G>A on the coding strand, the complement: MYH3 is on the minus strand). VCF-style: chr17-10642407-C-T. GRCh37 (hg19) VCF-style: chr17-10545724-C-T.
Identifiers: ClinVar variation 321754 (VCV000321754.5), dbSNP rs759205757, ClinGen allele CA8392919.

ClinVar aggregate classification (germline): Conflicting classifications of pathogenicity. Review status: criteria provided, conflicting classifications (1 of 4 stars). 2 submissions from 1 submitter: Uncertain significance (1); Benign (1). Last evaluated 2018-01-13.

Conditions:
Distal arthrogryposis type 2B1 (DA2B1). Also called: Arthrogryposis multiplex congenita distal type II with craniofacial abnormalities. Identifiers: Orphanet 1147, MedGen C5193014, MONDO:0020820, OMIM 601680.
Freeman-Sheldon syndrome (DA2A). Also called: CRANIOCARPOTARSAL DYSPLASIA; CRANIOCARPOTARSAL DYSTROPHY; WHISTLING FACE-WINDMILL VANE HAND SYNDROME; Arthrogryposis, distal, type 2A (Freeman-Sheldon). Identifiers: Orphanet 2053, MedGen C0265224, MONDO:0008675, OMIM 193700.

Allele frequency attached by ClinVar (database versions not stated): gnomAD 0.00001; gnomAD exomes 0.00001 and 0.00002; ExAC 0.00002; TOPMed 0.00002.
gnomAD v4.1: 9 of 1,614,186 alleles (0.00056%); highest among the groups gnomAD compares: East Asian, 0.018%; no homozygotes.

Submissions (2):

Illumina Laboratory Services, Illumina
Classification: Uncertain significance for Distal arthrogryposis type 2B1. Last evaluated: 2018-01-13. Review status: criteria provided, single submitter. Criteria: ICSL Variant Classification Criteria 13 December 2019. Collection method: clinical testing. Allele origin: germline.

Illumina Laboratory Services, Illumina
Classification: Benign for Freeman-Sheldon syndrome. Last evaluated: 2018-01-13. Review status: criteria provided, single submitter. Criteria: ICSL Variant Classification Criteria 13 December 2019. Collection method: clinical testing. Allele origin: germline.
Comment: This variant was observed in the ICSL laboratory as part of a predisposition screen in an ostensibly healthy population. It had not been previously curated by ICSL or reported in the Human Gene Mutation Database (HGMD: prior to June 1st, 2018), and was therefore a candidate for classification through an automated scoring system. Utilizing variant allele frequency, disease prevalence and penetrance estimates, and inheritance mode, an automated score was calculated to assess if this variant is too frequent to cause the disease. Based on the score and internal cut-off values, a variant classified as benign is not then subjected to further curation. The score for this variant resulted in a classification of benign for this disease.